The following is an entry in ClinVar:

ClinVar aggregate classification (germline): Conflicting classifications of pathogenicity. Review status: criteria provided, conflicting classifications (1 of 4 stars). 4 submissions from 4 submitters: Uncertain significance (2); Likely benign (2). Last evaluated 2025-10-11.

Conditions:
Autoinflammatory syndrome. Identifiers: Orphanet 93665, MedGen C3890737, MONDO:0019751.
Familial cold autoinflammatory syndrome 2 (FCAS2). Identifiers: Orphanet 247868, MedGen C2673198, MONDO:0012724, OMIM 611762.

Allele frequency attached by ClinVar (database versions not stated): 1000 Genomes Project 30x 0.00016; gnomAD 0.00019; ExAC 0.00022; gnomAD exomes 0.00028; TOPMed 0.00037; 1000 Genomes Project 0.01438.
gnomAD v4.1: 209 of 1,614,102 alleles (0.013%); highest among the groups gnomAD compares: East Asian, 0.2%; no homozygotes.

Submissions (4):

Labcorp Genetics (formerly Invitae), Labcorp
Classification: Likely benign for Familial cold autoinflammatory syndrome 2. Last evaluated: 2025-10-11. Review status: criteria provided, single submitter. Criteria: Invitae Variant Classification Sherloc (09022015). Collection method: clinical testing. Allele origin: germline.

Mayo Clinic Laboratories, Mayo Clinic
Classification: Uncertain significance. Last evaluated: 2024-06-24. Review status: criteria provided, single submitter. Criteria: ACMG Guidelines, 2015. Collection method: clinical testing. Allele origin: germline. Observed: 1 variant allele.
Comment: BS1

ARUP Laboratories, Molecular Genetics and Genomics, ARUP Laboratories
Classification: Likely benign for Familial cold autoinflammatory syndrome 2. Last evaluated: 2021-05-06. Review status: criteria provided, single submitter. Criteria: ARUP Molecular Germline Variant Investigation Process 2021. Collection method: clinical testing. Allele origin: germline.

Genome Diagnostics Laboratory, The Hospital for Sick Children
Classification: Uncertain significance for Autoinflammatory syndrome. Last evaluated: 2017-11-01. Review status: criteria provided, single submitter. Criteria: ACMG Guidelines, 2015. Collection method: clinical testing. Allele origin: germline. Affected: yes.

NM_144687.4(NLRP12):c.1182C>G (p.Asn394Lys)

Gene: NLRP12 (NLR family pyrin domain containing 12; minus strand). Cytogenetic location: 19q13.42.
Variant type: single nucleotide variant.
Coding change: c.1182C>G on transcript NM_144687.4 (MANE Select); coding-DNA position 1182, C replaced by G.
Protein change: p.Asn394Lys; replaces asparagine 394 with lysine.
Molecular consequence: missense variant.
Genome position (GRCh38, 1-based): chr19:53,810,477, G>C on the plus strand (C>G on the coding strand, the complement: NLRP12 is on the minus strand). VCF-style: chr19-53810477-G-C. GRCh37 (hg19) VCF-style: chr19-54313731-G-C.
Other names: p.Asn394Lys; c.1182C>G, p.Asn394Lys (NM_001277126.2, NM_001277129.1); short protein forms N394K.
Identifiers: ClinVar variation 716688 (VCV000716688.20), dbSNP rs201241894, ClinGen allele CA9639506.